The following is an entry in ClinVar:

NM_001429.4(EP300):c.6950G>A (p.Arg2317Gln)

Gene: EP300 (EP300 lysine acetyltransferase; plus strand). Cytogenetic location: 22q13.2.
Variant type: single nucleotide variant.
Coding change: c.6950G>A on transcript NM_001429.4 (MANE Select); coding-DNA position 6950, G replaced by A.
Protein change: p.Arg2317Gln; replaces arginine 2317 with glutamine.
Molecular consequence: missense variant.
Genome position (GRCh38, 1-based): chr22:41,178,661, G>A. VCF-style: chr22-41178661-G-A. GRCh37 (hg19) VCF-style: chr22-41574665-G-A.
Other names: c.6950G>A (NM_001429.3); c.6872G>A, p.Arg2291Gln (NM_001362843.2); short protein forms R2317Q, R2291Q.
Identifiers: ClinVar variation 134060 (VCV000134060.8), dbSNP rs149456776, ClinGen allele CA158530.

ClinVar aggregate classification (germline): Conflicting classifications of pathogenicity. Review status: criteria provided, conflicting classifications (1 of 4 stars). 4 submissions from 4 submitters: Uncertain significance (2); Likely benign (1). 1 of the submissions does not count toward it. Last evaluated 2026-04-28.

Conditions:
EP300-related disorder. Also called: EP300-related condition; EP300-related disorders.
Rubinstein-Taybi syndrome due to EP300 haploinsufficiency. Also called: EP300-Related Rubinstein-Taybi Syndrome; RUBINSTEIN-TAYBI SYNDROME 2. Identifiers: Orphanet 353284, Orphanet 783, MedGen C3150941, MONDO:0013364, OMIM 613684.

Allele frequency attached by ClinVar (database versions not stated): ExAC 0.00003; gnomAD exomes 0.00003; gnomAD 0.00006; TOPMed 0.00007; ESP Exome Variant Server 0.00015.
gnomAD v4.1: 49 of 1,613,772 alleles (0.003%); highest among the groups gnomAD compares: African/African-American, 0.019%; no homozygotes.

Submissions (4):

PreventionGenetics, part of Exact Sciences
Classification: Uncertain significance for EP300-related condition. Last evaluated: 2026-04-28. Review status: criteria provided, single submitter. Criteria: ACMG Guidelines, 2015. Collection method: clinical testing. Allele origin: germline.
Comment: The EP300 c.6950G>A variant is predicted to result in the amino acid substitution p.Arg2317Gln. To our knowledge, this variant has not been reported in the literature in association with EP300-related disorder(s). This variant is reported in 0.032% of alleles in individuals of African descent in gnomAD, which is likely too frequent to be a primary cause of disease. Although we suspect that this variant may be benign, at this time, the clinical significance of this variant is uncertain due to the absence of conclusive functional and genetic evidence.

GeneDx
Classification: Uncertain significance. Last evaluated: 2026-04-14. Review status: criteria provided, single submitter. Criteria: GeneDx Variant Classification Process June 2021. Collection method: clinical testing. Allele origin: germline.
Comment: In silico analysis supports that this missense variant has a deleterious effect on protein structure/function; Has not been previously published as pathogenic in association with an EP300-related disorder or benign to our knowledge; This variant is associated with the following publications: (PMID: 31830774)

Labcorp Genetics (formerly Invitae), Labcorp
Classification: Likely benign for Rubinstein-Taybi syndrome due to EP300 haploinsufficiency. Last evaluated: 2023-10-17. Review status: criteria provided, single submitter. Criteria: Invitae Variant Classification Sherloc (09022015). Collection method: clinical testing. Allele origin: germline.

ITMI
No classification provided. Condition: AllHighlyPenetrant. Last evaluated: 2013-09-19. Review status: no classification provided. Collection method: reference population. Allele origin: germline. Not counted in ClinVar's aggregate classification.
Comment: Please see associated publication for description of ethnicities

Literature cited by the submitters: PubMed 24728327 (cited by ITMI).